The following is an entry in ClinVar:

ClinVar aggregate classification (germline): Uncertain significance (1 of 4 stars; one submission).

Submission:

Labcorp Genetics (formerly Invitae), Labcorp
Classification: Uncertain significance. Last evaluated: 2023-03-27. Review status: criteria provided, single submitter. Criteria: Invitae Variant Classification Sherloc (09022015). Collection method: clinical testing. Allele origin: germline.
Comment: In summary, the available evidence is currently insufficient to determine the role of this variant in disease. Therefore, it has been classified as a Variant of Uncertain Significance. Algorithms developed to predict the effect of sequence changes on RNA splicing suggest that this variant may disrupt the consensus splice site. This variant has not been reported in the literature in individuals affected with RELB-related conditions. This variant is not present in population databases (gnomAD no frequency). This sequence change creates a premature translational stop signal (p.Gln329*) in the RELB gene. It is expected to result in an absent or disrupted protein product. However, the current clinical and genetic evidence is not sufficient to establish whether loss-of-function variants in RELB cause disease.

NM_006509.4(RELB):c.985C>T (p.Gln329Ter)

Gene: RELB (RELB proto-oncogene, NF-kB subunit; plus strand). Cytogenetic location: 19q13.32.
Variant type: single nucleotide variant.
Coding change: c.985C>T on transcript NM_006509.4 (MANE Select); coding-DNA position 985, C replaced by T.
Protein change: p.Gln329Ter; replaces glutamine 329 with a stop codon.
Molecular consequence: nonsense.
Genome position (GRCh38, 1-based): chr19:45,028,986, C>T. VCF-style: chr19-45028986-C-T. GRCh37 (hg19) VCF-style: chr19-45532244-C-T.
Other names: c.976C>T, p.Gln326Ter (NM_001411087.1); short protein forms Q326*, Q329*.
Identifiers: ClinVar variation 2849995 (VCV002849995.3), dbSNP rs2513654197, ClinGen allele CA406303034.